The following is an entry in ClinVar:

NM_022765.4(MICAL1):c.2407C>T (p.Arg803Cys)

Gene: MICAL1 (microtubule associated monooxygenase, calponin and LIM domain containing 1; minus strand). Cytogenetic location: 6q21.
Variant type: single nucleotide variant.
Coding change: c.2407C>T on transcript NM_022765.4 (MANE Select); coding-DNA position 2407, C replaced by T.
Protein change: p.Arg803Cys; replaces arginine 803 with cysteine.
Molecular consequence: missense variant.
Genome position (GRCh38, 1-based): chr6:109,446,310, G>A on the plus strand (C>T on the coding strand, the complement: MICAL1 is on the minus strand). VCF-style: chr6-109446310-G-A. GRCh37 (hg19) VCF-style: chr6-109767513-G-A.
Other names: c.2407C>T (NM_022765.3); c.2149C>T, p.Arg717Cys (NM_001159291.2); c.2464C>T, p.Arg822Cys (NM_001286613.2); short protein forms R822C, R717C, R803C.
Identifiers: ClinVar variation 1504657 (VCV001504657.7), dbSNP rs749814764, ClinGen allele CA3952910.

ClinVar aggregate classification (germline): Uncertain significance. Review status: criteria provided, multiple submitters, no conflicts (2 of 4 stars). 2 submissions from 2 submitters: Uncertain significance (2). Last evaluated 2024-11-25.

Allele frequency attached by ClinVar (database versions not stated): gnomAD 0.00001; TOPMed 0.00002; ExAC 0.00006; gnomAD exomes 0.00006.
gnomAD v4.1: 48 of 1,614,062 alleles (0.003%); highest among the groups gnomAD compares: South Asian, 0.033%; 2 homozygotes.

Submissions (2):

Ambry Genetics
Classification: Uncertain significance. Last evaluated: 2024-11-25. Review status: criteria provided, single submitter. Criteria: Ambry Variant Classification Scheme 2023. Collection method: clinical testing. Allele origin: germline.

Labcorp Genetics (formerly Invitae), Labcorp
Classification: Uncertain significance. Last evaluated: 2024-06-20. Review status: criteria provided, single submitter. Criteria: Invitae Variant Classification Sherloc (09022015). Collection method: clinical testing. Allele origin: germline.
Comment: This sequence change replaces arginine, which is basic and polar, with cysteine, which is neutral and slightly polar, at codon 822 of the MICAL1 protein (p.Arg822Cys). This variant is present in population databases (rs749814764, gnomAD 0.03%), and has an allele count higher than expected for a pathogenic variant. This variant has not been reported in the literature in individuals affected with MICAL1-related conditions. ClinVar contains an entry for this variant (Variation ID: 1504657). An algorithm developed to predict the effect of missense changes on protein structure and function (PolyPhen-2) suggests that this variant is likely to be disruptive. In summary, the available evidence is currently insufficient to determine the role of this variant in disease. Therefore, it has been classified as a Variant of Uncertain Significance.